The following is an entry in ClinVar:

ClinVar aggregate classification (germline): Uncertain significance. Review status: criteria provided, multiple submitters, no conflicts (2 of 4 stars). 3 submissions from 3 submitters: Uncertain significance (3). Last evaluated 2025-11-21.

Conditions:
Cardiovascular phenotype. Identifiers: MedGen CN230736.
Long QT syndrome (LQTS). Identifiers: MedGen C0023976, MeSH D008133, MONDO:0002442. Disease mechanism: loss of function. Inheritance: Various modes of inheritance.

Allele frequency attached by ClinVar (database versions not stated): TOPMed below 0.00001; gnomAD 0.00001; gnomAD exomes 0.00002.
gnomAD v4.1: 22 of 1,432,004 alleles (0.0015%); highest among the groups gnomAD compares: Admixed American, 0.0029%; no homozygotes.

Submissions (3):

Labcorp Genetics (formerly Invitae), Labcorp
Classification: Uncertain significance for Long QT syndrome. Last evaluated: 2025-11-21. Review status: criteria provided, single submitter. Criteria: Invitae Variant Classification Sherloc (09022015). Collection method: clinical testing. Allele origin: germline.
Comment: This sequence change replaces alanine, which is neutral and non-polar, with valine, which is neutral and non-polar, at codon 188 of the KCNH2 protein (p.Ala188Val). This variant is not present in population databases (gnomAD no frequency). This variant has not been reported in the literature in individuals affected with KCNH2-related conditions. ClinVar contains an entry for this variant (Variation ID: 200293). An algorithm developed to predict the effect of missense changes on protein structure and function outputs the following: PolyPhen-2: "Benign". The valine amino acid residue is found in multiple mammalian species, which suggests that this missense change does not adversely affect protein function. In summary, the available evidence is currently insufficient to determine the role of this variant in disease. Therefore, it has been classified as a Variant of Uncertain Significance.

Ambry Genetics
Classification: Uncertain significance for Cardiovascular phenotype. Last evaluated: 2023-06-05. Review status: criteria provided, single submitter. Criteria: Ambry Variant Classification Scheme 2023. Collection method: clinical testing. Allele origin: germline.
Comment: The p.A188V variant (also known as c.563C>T), located in coding exon 4 of the KCNH2 gene, results from a C to T substitution at nucleotide position 563. The alanine at codon 188 is replaced by valine, an amino acid with similar properties. This alteration has been reported in an arrhythmia genetic testing cohort; however, clinical details were limited (Van Driest SL et al. JAMA, 2016 Jan;315:47-57). This amino acid position is not well conserved in available vertebrate species. In addition, this alteration is predicted to be tolerated by in silico analysis. Since supporting evidence is limited at this time, the clinical significance of this alteration remains unclear.

GeneDx
Classification: Uncertain significance. Last evaluated: 2013-03-20. Review status: criteria provided, single submitter. Criteria: GeneDx Variant Classification (06012015). Collection method: clinical testing. Allele origin: germline. Affected: yes.
Comment: p.Ala188Val (GCG>GTG): c.563 C>T in exon 4 of the KCNH2 (aka HERG) gene (NM_000238.2). The Ala188Val variant in the KCNH2 gene has not been reported as a disease-causing mutation or as a benign polymorphism to our knowledge. Ala188Val results in a conservative amino acid substitution of one non-polar amino acid with another at a position that is not well conserved across species. In silico analysis predicts Ala188Val is benign to the protein structure/function. Nevertheless, the Ala188Val variant was not observed in approximately 3,000 individuals of European and African American ancestry in the NHLBI Exome Sequencing Project, indicating it is not a common benign variant in these populations. Also, a mutation in a nearby codon (Arg176Trp) has been reported in association with LQTS, supporting the functional importance of this region of the protein. With the clinical and molecular information available at this time, we cannot definitively determine if Ala188Val is a disease-causing mutation or a rare benign variant. The variant is found in LQT panel(s).

Literature cited by the submitters: PubMed 26746457 (cited by Ambry Genetics).

NM_000238.4(KCNH2):c.563C>T (p.Ala188Val)

Gene: KCNH2 (potassium voltage-gated channel subfamily H member 2; minus strand). Cytogenetic location: 7q36.1.
Variant type: single nucleotide variant.
Coding change: c.563C>T on transcript NM_000238.4 (MANE Select); coding-DNA position 563, C replaced by T.
Protein change: p.Ala188Val; replaces alanine 188 with valine.
Molecular consequence: missense variant.
Genome position (GRCh38, 1-based): chr7:150,958,412, G>A on the plus strand (C>T on the coding strand, the complement: KCNH2 is on the minus strand). VCF-style: chr7-150958412-G-A. GRCh37 (hg19) VCF-style: chr7-150655500-G-A.
Other names: p.A188V:GCG>GTG; c.275C>T, p.Ala92Val (NM_001406753.1, NM_001406756.1); c.386C>T, p.Ala129Val (NM_001406755.1); c.263C>T, p.Ala88Val (NM_001406757.1); c.563C>T, p.Ala188Val (NM_172056.3); short protein forms A188V, A88V, A92V, A129V.
Identifiers: ClinVar variation 200293 (VCV000200293.18), dbSNP rs794728356, ClinGen allele CA008591.